The following is an entry in ClinVar:

NM_000116.5(TAFAZZIN):c.461-16G>C

Gene: TAFAZZIN (tafazzin, phospholipid-lysophospholipid transacylase; plus strand). Cytogenetic location: Xq28.
Variant type: single nucleotide variant.
Coding change: c.461-16G>C on transcript NM_000116.5 (MANE Select); 16 bases into the intron before coding-DNA position 461, G replaced by C.
Molecular consequence: intron variant.
Genome position (GRCh38, 1-based): chrX:154,419,527, G>C. VCF-style: chrX-154419527-G-C. GRCh37 (hg19) VCF-style: chrX-153647866-G-C.
Other names: c.515-16G>C (NM_001303465.2); c.461-16G>C (NM_181312.4); c.371-16G>C (NM_181311.4, NM_181313.4).
Identifiers: ClinVar variation 513058 (VCV000513058.5), dbSNP rs782759146, ClinGen allele CA10562347.

ClinVar aggregate classification (germline): Likely benign. Review status: criteria provided, multiple submitters, no conflicts (2 of 4 stars). 2 submissions from 2 submitters: Likely benign (2). Last evaluated 2024-04-15.

Conditions:
3-Methylglutaconic aciduria type 2 (BTHS). Also called: CARDIOSKELETAL MYOPATHY WITH NEUTROPENIA AND ABNORMAL MITOCHONDRIA; Barth syndrome. Identifiers: Orphanet 111, MedGen C0574083, MONDO:0010543, OMIM 302060.

Allele frequency attached by ClinVar (database versions not stated): gnomAD 0.00001; ExAC 0.00002; gnomAD exomes 0.00002.
gnomAD v4.1: 4 of 1,207,098 alleles (0.00033%); highest among the groups gnomAD compares: Admixed American, 0.0087%; no homozygotes.

Submissions (2):

Labcorp Genetics (formerly Invitae), Labcorp
Classification: Likely benign for 3-Methylglutaconic aciduria type 2. Last evaluated: 2024-04-15. Review status: criteria provided, single submitter. Criteria: Invitae Variant Classification Sherloc (09022015). Collection method: clinical testing. Allele origin: germline.

GeneDx
Classification: Likely benign. Last evaluated: 2017-10-31. Review status: criteria provided, single submitter. Criteria: GeneDx Variant Classification (06012015). Collection method: clinical testing. Allele origin: germline. Affected: yes.
Comment: This variant is considered likely benign or benign based on one or more of the following criteria: it is a conservative change, it occurs at a poorly conserved position in the protein, it is predicted to be benign by multiple in silico algorithms, and/or has population frequency not consistent with disease.